The following is an entry in ClinVar:

ClinVar aggregate classification (germline): Pathogenic/Likely pathogenic. Review status: criteria provided, multiple submitters, no conflicts (2 of 4 stars). 2 submissions from 2 submitters: Pathogenic (1); Likely pathogenic (1). Last evaluated 2025-03-17.

Conditions:
Asphyxiating thoracic dystrophy 3. Also called: Short rib polydactyly syndrome 2B; SHORT-RIB THORACIC DYSPLASIA 3 WITH OR WITHOUT POLYDACTYLY; POLYDACTYLY WITH NEONATAL CHONDRODYSTROPHY, TYPE I; SHORT-RIB THORACIC DYSPLASIA 3/6 WITH POLYDACTYLY, DIGENIC; Saldino-Noonan Syndrome. Identifiers: Orphanet 474, Orphanet 93269, Orphanet 93270, Orphanet 93271, MedGen C0036069, MONDO:0013127, OMIM 613091.

Submissions (2):

Myriad Genetics, Inc.
Classification: Pathogenic for Asphyxiating thoracic dystrophy 3. Last evaluated: 2025-03-17. Review status: criteria provided, single submitter. Criteria: Myriad Autosomal Dominant, Autosomal Recessive and X-Linked Classification Criteria (2023). Collection method: clinical testing. Allele origin: unknown.
Comment: NM_001377.2(DYNC2H1):c.8933T>G(L2978*) is expected to be pathogenic in the context of DYNC2H1-related disorders. This variant is predicted to lead to an abnormal or absent protein product due to the creation of a premature termination codon in DYNC2H1, a gene where loss-of-function variants are known to be pathogenic. Please note: this variant was assessed in the context of healthy population screening.

Fulgent Genetics
Classification: Likely pathogenic for Asphyxiating thoracic dystrophy 3. Last evaluated: 2024-04-25. Review status: criteria provided, single submitter. Criteria: ACMG Guidelines, 2015. Collection method: clinical testing. Allele origin: germline.

NM_001377.3(DYNC2H1):c.8933T>G (p.Leu2978Ter)

Gene: DYNC2H1 (dynein cytoplasmic 2 heavy chain 1; plus strand). Cytogenetic location: 11q22.3.
Variant type: single nucleotide variant.
Coding change: c.8933T>G on transcript NM_001377.3 (MANE Select); coding-DNA position 8933, T replaced by G.
Protein change: p.Leu2978Ter; replaces leucine 2978 with a stop codon.
Molecular consequence: nonsense.
Genome position (GRCh38, 1-based): chr11:103,220,015, T>G. VCF-style: chr11-103220015-T-G. GRCh37 (hg19) VCF-style: chr11-103090744-T-G.
Other names: c.8933T>G, p.Leu2978Ter (NM_001080463.2); short protein forms L2978*.
Identifiers: ClinVar variation 3598893 (VCV003598893.2).
Genomic context (GRCh38, chr11:103,220,015, plus strand): 5'-ACAGAATAGCAGAAGAAGTTGTTAAAATTGAAGAAAGAAAAAATAAAATTGATGATGAAT[T>G]AAAAGAAGTACAAGTAAGTTAAAAAACATTCTAAGATCCATTTACATTTTTGCTTACCAG-3'